The following is an entry in ClinVar:

ClinVar aggregate classification (germline): Conflicting classifications of pathogenicity. Review status: criteria provided, conflicting classifications (1 of 4 stars). 4 submissions from 4 submitters: Uncertain significance (1); Likely benign (2). 1 of the submissions does not count toward it. Last evaluated 2026-09-01.

Conditions:
ZFHX3-related disorder. Also called: ZFHX3-related condition.

Allele frequency attached by ClinVar (database versions not stated): 1000 Genomes Project 30x 0.00078; 1000 Genomes Project 0.00080; TOPMed 0.00255; gnomAD 0.00273; ESP Exome Variant Server 0.00354.
gnomAD v4.1: 6,545 of 1,613,932 alleles (0.41%); highest among the groups gnomAD compares: Non-Finnish European, 0.51%; 15 homozygotes.

Submissions (8):

CeGaT Center for Human Genetics Tuebingen
Classification: Likely benign. Last evaluated: 2026-09-01. Review status: criteria provided, single submitter. Criteria: CeGaT Center For Human Genetics Tuebingen Variant Classification Criteria Version 2. Collection method: clinical testing. Allele origin: germline. Affected: yes. Observed: 6 variant alleles.
Comment: ZFHX3: BP4, BP7, BS2

Blueprint Genetics
Classification: Likely benign. Last evaluated: 2024-11-20. Review status: criteria provided, single submitter. Criteria: ACMG Guidelines, 2015. Collection method: clinical testing. Allele origin: germline.

Breakthrough Genomics
Classification: Uncertain significance. Review status: criteria provided, single submitter. Criteria: ACMG Guidelines, 2015. Collection method: not provided. Allele origin: germline. Inheritance: Autosomal dominant inheritance. Affected: yes.

PreventionGenetics, part of Exact Sciences
Classification: Likely benign for ZFHX3-related condition. Last evaluated: 2022-08-17. Review status: no assertion criteria provided. Collection method: clinical testing. Allele origin: germline. Not counted in ClinVar's aggregate classification.
Comment: This variant is classified as likely benign based on ACMG/AMP sequence variant interpretation guidelines (Richards et al. 2015 PMID: 25741868, with internal and published modifications).

Dr. Peter K. Rogan Lab, Western University
No classification provided (evidence only). Condition: Lung cancer. Review status: no classification provided. Collection method: in vitro. Allele origin: not applicable. Functional consequence: retained intron. Not counted in ClinVar's aggregate classification.

Dr. Peter K. Rogan Lab, Western University
No classification provided (evidence only). Condition: Melanoma. Review status: no classification provided. Collection method: in vitro. Allele origin: not applicable. Functional consequence: retained intron. Not counted in ClinVar's aggregate classification.

Dr. Peter K. Rogan Lab, Western University
No classification provided (evidence only). Condition: Cholangiocarcinoma. Review status: no classification provided. Collection method: in vitro. Allele origin: not applicable. Functional consequence: retained intron. Not counted in ClinVar's aggregate classification.

Dr. Peter K. Rogan Lab, Western University
No classification provided (evidence only). Condition: Adrenocortical carcinoma, hereditary. Review status: no classification provided. Collection method: in vitro. Allele origin: not applicable. Functional consequence: retained intron. Not counted in ClinVar's aggregate classification.

NM_006885.4(ZFHX3):c.2793C>T (p.Gly931=)

Gene: ZFHX3 (zinc finger homeobox 3; minus strand). Cytogenetic location: 16q22.3.
Variant type: single nucleotide variant.
Coding change: c.2793C>T on transcript NM_006885.4 (MANE Select); coding-DNA position 2793, C replaced by T.
Protein change: p.Gly931=; no amino-acid change (glycine 931 retained).
Molecular consequence: synonymous variant.
Genome position (GRCh38, 1-based): chr16:72,950,892, G>A on the plus strand (C>T on the coding strand, the complement: ZFHX3 is on the minus strand). VCF-style: chr16-72950892-G-A. GRCh37 (hg19) VCF-style: chr16-72984791-G-A.
Other names: NC_000016.9:g.72984791G>A; c.2793C>T (NM_006885.3); c.51C>T, p.Gly17= (NM_001164766.2).
Identifiers: ClinVar variation 808095 (VCV000808095.39), dbSNP rs143351192, ClinGen allele CA8164282.